The following is an entry in ClinVar:

NM_017999.5(RNF31):c.1015C>T (p.Pro339Ser)

Gene: RNF31 (ring finger protein 31; plus strand). Cytogenetic location: 14q12.
Variant type: single nucleotide variant.
Coding change: c.1015C>T on transcript NM_017999.5 (MANE Select); coding-DNA position 1015, C replaced by T.
Protein change: p.Pro339Ser; replaces proline 339 with serine.
Molecular consequence: missense variant.
Genome position (GRCh38, 1-based): chr14:24,150,266, C>T. VCF-style: chr14-24150266-C-T. GRCh37 (hg19) VCF-style: chr14-24619475-C-T.
Other names: c.562C>T, p.Pro188Ser (NM_001310332.2); short protein forms P188S, P339S.
Identifiers: ClinVar variation 4698007 (VCV004698007.1).

ClinVar aggregate classification (germline): Uncertain significance (1 of 4 stars; one submission).

gnomAD v4.1: 16 of 1,614,174 alleles (0.00099%); highest among the groups gnomAD compares: Non-Finnish European, 0.0013%; no homozygotes.

Submission:

Labcorp Genetics (formerly Invitae), Labcorp
Classification: Uncertain significance. Last evaluated: 2025-09-01. Review status: criteria provided, single submitter. Criteria: Invitae Variant Classification Sherloc (09022015). Collection method: clinical testing. Allele origin: germline.
Comment: This sequence change replaces proline, which is neutral and non-polar, with serine, which is neutral and polar, at codon 339 of the RNF31 protein (p.Pro339Ser). This variant is not present in population databases (gnomAD no frequency). This variant has not been reported in the literature in individuals affected with RNF31-related conditions. An algorithm developed to predict the effect of missense changes on protein structure and function outputs the following: PolyPhen-2: "Benign". The serine amino acid residue is found in multiple mammalian species, which suggests that this missense change does not adversely affect protein function. In summary, the available evidence is currently insufficient to determine the role of this variant in disease. Therefore, it has been classified as a Variant of Uncertain Significance.